The following is an entry in ClinVar:

NM_020821.3(VPS13C):c.10955G>A (p.Arg3652Gln)

Gene: VPS13C (vacuolar protein sorting 13 homolog C; minus strand). Cytogenetic location: 15q22.2.
Variant type: single nucleotide variant.
Coding change: c.10955G>A on transcript NM_020821.3 (MANE Select); coding-DNA position 10955, G replaced by A.
Protein change: p.Arg3652Gln; replaces arginine 3652 with glutamine.
Molecular consequence: missense variant.
Genome position (GRCh38, 1-based): chr15:61,856,407, C>T on the plus strand (G>A on the coding strand, the complement: VPS13C is on the minus strand). VCF-style: chr15-61856407-C-T. GRCh37 (hg19) VCF-style: chr15-62148606-C-T.
Other names: c.10955G>A (NM_020821.2); c.10826G>A, p.Arg3609Gln (NM_017684.5); short protein forms R3609Q, R3652Q.
Identifiers: ClinVar variation 1440373 (VCV001440373.34), dbSNP rs146072191, ClinGen allele CA7594134.

ClinVar aggregate classification (germline): Conflicting classifications of pathogenicity. Review status: criteria provided, conflicting classifications (1 of 4 stars). 4 submissions from 4 submitters: Uncertain significance (2); Likely benign (1). 1 of the submissions does not count toward it. Last evaluated 2023-02-01.

Conditions:
VPS13C-related disorder. Also called: VPS13C-related condition.
Inborn genetic diseases. Identifiers: MedGen C0950123, MeSH D030342.

Allele frequency attached by ClinVar (database versions not stated): gnomAD 0.00027 and 0.00034; gnomAD exomes 0.00032 and 0.00043; ExAC 0.00034; TOPMed 0.00034; ESP Exome Variant Server 0.00054.
gnomAD v4.1: 661 of 1,609,440 alleles (0.041%); highest among the groups gnomAD compares: Non-Finnish European, 0.053%; no homozygotes.

Submissions (4):

CeGaT Center for Human Genetics Tuebingen
Classification: Likely benign. Last evaluated: 2023-02-01. Review status: criteria provided, single submitter. Criteria: CeGaT Center For Human Genetics Tuebingen Variant Classification Criteria Version 2. Collection method: clinical testing. Allele origin: germline. Affected: yes. Observed: 1 variant allele.
Comment: VPS13C: BP4

Labcorp Genetics (formerly Invitae), Labcorp
Classification: Uncertain significance. Last evaluated: 2022-04-19. Review status: criteria provided, single submitter. Criteria: Invitae Variant Classification Sherloc (09022015). Collection method: clinical testing. Allele origin: germline.
Comment: This sequence change replaces arginine, which is basic and polar, with glutamine, which is neutral and polar, at codon 3652 of the VPS13C protein (p.Arg3652Gln). This variant is present in population databases (rs146072191, gnomAD 0.06%). This variant has not been reported in the literature in individuals affected with VPS13C-related conditions. Algorithms developed to predict the effect of missense changes on protein structure and function are either unavailable or do not agree on the potential impact of this missense change (SIFT: "Tolerated"; PolyPhen-2: "Probably Damaging"; Align-GVGD: "Class C0"). In summary, the available evidence is currently insufficient to determine the role of this variant in disease. Therefore, it has been classified as a Variant of Uncertain Significance.

Ambry Genetics
Classification: Uncertain significance for Inborn genetic diseases. Last evaluated: 2021-07-21. Review status: criteria provided, single submitter. Criteria: Ambry Variant Classification Scheme 2023. Collection method: clinical testing. Allele origin: germline.

PreventionGenetics, part of Exact Sciences
Classification: Uncertain significance for VPS13C-related condition. Last evaluated: 2024-02-09. Review status: no assertion criteria provided. Collection method: clinical testing. Allele origin: germline. Not counted in ClinVar's aggregate classification.
Comment: The VPS13C c.10955G>A variant is predicted to result in the amino acid substitution p.Arg3652Gln. To our knowledge, this variant has not been reported in the literature. This variant is reported in 0.061% of alleles in individuals of European (Non-Finnish) descent in gnomAD. At this time, the clinical significance of this variant is uncertain due to the absence of conclusive functional and genetic evidence.